The following is an entry in ClinVar:

ClinVar aggregate classification (germline): Uncertain significance (1 of 4 stars; one submission).

Conditions:
Alpha thalassemia-X-linked intellectual disability syndrome (ATRX). Also called: X-linked alpha-thalassemia-mental retardation syndrome; ALPHA-THALASSEMIA/IMPAIRED INTELLECTUAL DEVELOPMENT SYNDROME, X-LINKED; ALPHA-THALASSEMIA/MENTAL RETARDATION SYNDROME, X-LINKED; ATR, NONDELETION TYPE; ATR-X syndrome; Alpha thalassemia mental retardation syndrome, nondeletion type, X-linked. Identifiers: Orphanet 847, MedGen C1845055, MONDO:0010519, OMIM 301040.

Allele frequency attached by ClinVar (database versions not stated): gnomAD 0.00001.

Submission:

Labcorp Genetics (formerly Invitae), Labcorp
Classification: Uncertain significance for Alpha thalassemia-X-linked intellectual disability syndrome. Last evaluated: 2022-02-24. Review status: criteria provided, single submitter. Criteria: Invitae Variant Classification Sherloc (09022015). Collection method: clinical testing. Allele origin: germline.
Comment: In summary, the available evidence is currently insufficient to determine the role of this variant in disease. Therefore, it has been classified as a Variant of Uncertain Significance. Advanced modeling of protein sequence and biophysical properties (such as structural, functional, and spatial information, amino acid conservation, physicochemical variation, residue mobility, and thermodynamic stability) performed at Invitae indicates that this missense variant is not expected to disrupt ATRX protein function. This variant has not been reported in the literature in individuals affected with ATRX-related conditions. This variant is not present in population databases (gnomAD no frequency). This sequence change replaces histidine, which is basic and polar, with tyrosine, which is neutral and polar, at codon 311 of the ATRX protein (p.His311Tyr).

NM_000489.6(ATRX):c.931C>T (p.His311Tyr)

Gene: ATRX (ATRX chromatin remodeler; minus strand). Cytogenetic location: Xq21.1.
Variant type: single nucleotide variant.
Coding change: c.931C>T on transcript NM_000489.6 (MANE Select); coding-DNA position 931, C replaced by T.
Protein change: p.His311Tyr; replaces histidine 311 with tyrosine.
Molecular consequence: missense variant.
Genome position (GRCh38, 1-based): chrX:77,684,325, G>A on the plus strand (C>T on the coding strand, the complement: ATRX is on the minus strand). VCF-style: chrX-77684325-G-A. GRCh37 (hg19) VCF-style: chrX-76939817-G-A.
Other names: c.817C>T, p.His273Tyr (NM_138270.5); short protein forms H273Y, H311Y.
Identifiers: ClinVar variation 1461413 (VCV001461413.8), dbSNP rs2071433222, ClinGen allele CA413720268.